The following is an entry in ClinVar:

ClinVar aggregate classification (germline): Uncertain significance (1 of 4 stars; one submission).

gnomAD v4.1: 1 of 1,604,760 alleles (0.000062%); highest among the groups gnomAD compares: Non-Finnish European, 0.000085%; no homozygotes.

Submission:

Labcorp Genetics (formerly Invitae), Labcorp
Classification: Uncertain significance. Last evaluated: 2025-10-30. Review status: criteria provided, single submitter. Criteria: Invitae Variant Classification Sherloc (09022015). Collection method: clinical testing. Allele origin: germline.
Comment: This sequence change falls in intron 16 of the CTNNA1 gene. It does not directly change the encoded amino acid sequence of the CTNNA1 protein. It affects a nucleotide within the consensus splice site. This variant is not present in population databases (gnomAD no frequency). This variant has not been reported in the literature in individuals affected with CTNNA1-related conditions. Variants that disrupt the consensus splice site are a relatively common cause of aberrant splicing (PMID: 17576681, 9536098). Algorithms developed to predict the effect of sequence changes on RNA splicing suggest that this variant may disrupt the consensus splice site. In summary, the available evidence is currently insufficient to determine the role of this variant in disease. Therefore, it has been classified as a Variant of Uncertain Significance.

Literature cited by the submitters: PubMed 17576681; PubMed 9536098.

NM_001903.5(CTNNA1):c.2298+4A>G

Gene: CTNNA1 (catenin alpha 1; plus strand). Cytogenetic location: 5q31.2.
Variant type: single nucleotide variant.
Coding change: c.2298+4A>G on transcript NM_001903.5 (MANE Select); 4 bases into the intron after coding-DNA position 2298, A replaced by G.
Molecular consequence: intron variant.
Genome position (GRCh38, 1-based): chr5:138,930,939, A>G. VCF-style: chr5-138930939-A-G. GRCh37 (hg19) VCF-style: chr5-138266628-A-G.
Other names: c.2298+4A>G (NM_001323982.2, NM_001323984.2, NM_001290307.3 and 2 more transcripts); c.2205+4A>G (NM_001323986.2); c.1929+4A>G (NM_001290310.3); c.1989+4A>G (NM_001290309.3); c.1188+4A>G (NM_001323996.1, NM_001323993.1, NM_001324005.1 and 17 more transcripts); c.849+4A>G (NM_001324007.1, NM_001324009.1, NM_001324006.1 and 2 more transcripts); c.945+4A>G (NM_001324013.1, NM_001324012.1); c.1095+4A>G (NM_001324011.1).
Identifiers: ClinVar variation 4730233 (VCV004730233.1).